The following is an entry in ClinVar:

ClinVar aggregate classification (germline): Uncertain significance (1 of 4 stars; one submission).

Submission:

Labcorp Genetics (formerly Invitae), Labcorp
Classification: Uncertain significance. Last evaluated: 2024-06-21. Review status: criteria provided, single submitter. Criteria: Invitae Variant Classification Sherloc (09022015). Collection method: clinical testing. Allele origin: germline.
Comment: This sequence change replaces glycine, which is neutral and non-polar, with cysteine, which is neutral and slightly polar, at codon 396 of the SUCO protein (p.Gly396Cys). This variant is not present in population databases (gnomAD no frequency). This variant has not been reported in the literature in individuals affected with SUCO-related conditions. An algorithm developed to predict the effect of missense changes on protein structure and function (PolyPhen-2) suggests that this variant is likely to be disruptive. In summary, the available evidence is currently insufficient to determine the role of this variant in disease. Therefore, it has been classified as a Variant of Uncertain Significance.

NM_014283.5(SUCO):c.1186G>T (p.Gly396Cys)

Gene: SUCO (SUN domain containing ossification factor; plus strand). Cytogenetic location: 1q24.3.
Variant type: single nucleotide variant.
Coding change: c.1186G>T on transcript NM_014283.5 (MANE Select); coding-DNA position 1186, G replaced by T.
Protein change: p.Gly396Cys; replaces glycine 396 with cysteine.
Molecular consequence: missense variant. On other transcripts: 5 prime UTR variant (1).
Genome position (GRCh38, 1-based): chr1:172,575,546, G>T. VCF-style: chr1-172575546-G-T. GRCh37 (hg19) VCF-style: chr1-172544686-G-T.
Other names: c.1075G>T, p.Gly359Cys (NM_001282750.2); c.-344G>T (NM_001282751.2); c.1660G>T, p.Gly554Cys (NM_016227.4); short protein forms G359C, G396C, G554C.
Identifiers: ClinVar variation 3704869 (VCV003704869.2).
Genomic context (GRCh38, chr1:172,575,546, plus strand): 5'-TTAAAAAAGAACATATTGCTTATATTTTTTAGATATCCAACAAATAAGTGGATTAAGCTG[G>T]GTACTTTTCATGGTAGAGATGAGCGGAATGTACAGAGTTTCCCTTTAGATGAACAGATGT-3'
Protein context (NP_055098.1, residues 386-406): RYPTNKWIKL[Gly396Cys]TFHGRDERNV